The following is an entry in ClinVar:

ClinVar aggregate classification (germline): Likely benign. Review status: criteria provided, single submitter (1 of 4 stars). 2 submissions from 2 submitters: Likely benign (1). 1 of the submissions does not count toward it. Last evaluated 2023-06-16.

Conditions:
CEP290-related disorder. Also called: CEP290-related condition; CEP290-related disorders. Identifiers: MedGen CN239314.
Joubert syndrome. Also called: CEREBELLOPARENCHYMAL DISORDER IV; JOUBERT-BOLTSHAUSER SYNDROME; Familial aplasia of the vermis. Identifiers: Orphanet 475, MedGen C5979921, MONDO:0018772.
Nephronophthisis. Also called: Juvenile Nephronophthisis. Identifiers: Orphanet 655, MedGen C0687120, MONDO:0019005, HP:0000090.
Meckel-Gruber syndrome. Also called: DYSENCEPHALIA SPLANCHNOCYSTICA; GRUBER SYNDROME; Dysencephalia splachnocystica. Identifiers: Orphanet 564, MedGen C0265215, MONDO:0018921.

Allele frequency attached by ClinVar (database versions not stated): gnomAD 0.00001; TOPMed 0.00002; ExAC 0.00003.
gnomAD v4.1: 8 of 1,518,968 alleles (0.00053%); highest among the groups gnomAD compares: Non-Finnish European, 0.0007%; no homozygotes.

Submissions (2):

Labcorp Genetics (formerly Invitae), Labcorp
Classification: Likely benign for Joubert syndrome; Meckel-Gruber syndrome; Nephronophthisis. Last evaluated: 2023-06-16. Review status: criteria provided, single submitter. Criteria: Invitae Variant Classification Sherloc (09022015). Collection method: clinical testing. Allele origin: germline.

PreventionGenetics, part of Exact Sciences
Classification: Likely benign for CEP290-related condition. Last evaluated: 2023-03-27. Review status: no assertion criteria provided. Collection method: clinical testing. Allele origin: germline. Not counted in ClinVar's aggregate classification.
Comment: This variant is classified as likely benign based on ACMG/AMP sequence variant interpretation guidelines (Richards et al. 2015 PMID: 25741868, with internal and published modifications).

NM_025114.4(CEP290):c.1002A>G (p.Leu334=)

Gene: CEP290 (centrosomal protein 290; minus strand). Cytogenetic location: 12q21.32.
Variant type: single nucleotide variant.
Coding change: c.1002A>G on transcript NM_025114.4 (MANE Select); coding-DNA position 1002, A replaced by G.
Protein change: p.Leu334=; no amino-acid change (leucine 334 retained).
Molecular consequence: synonymous variant.
Genome position (GRCh38, 1-based): chr12:88,126,379, T>C on the plus strand (A>G on the coding strand, the complement: CEP290 is on the minus strand). VCF-style: chr12-88126379-T-C. GRCh37 (hg19) VCF-style: chr12-88520156-T-C.
Other names: c.1002A>G (NM_025114.3).
Identifiers: ClinVar variation 1557330 (VCV001557330.9), dbSNP rs757621266, ClinGen allele CA6712637.